The following is an entry in ClinVar:

ClinVar aggregate classification (germline): Uncertain significance (1 of 4 stars; one submission).

Conditions:
Autosomal recessive severe congenital neutropenia due to CSF3R deficiency. Also called: Neutropenia, severe congenital, 7, autosomal recessive. Identifiers: Orphanet 420702, MedGen C4310764, MONDO:0014865, OMIM 617014.

Allele frequency attached by ClinVar (database versions not stated): TOPMed 0.00006.
gnomAD v4.1: 189 of 1,614,064 alleles (0.012%); highest among the groups gnomAD compares: South Asian, 0.03%; 1 homozygote.

Submission:

Labcorp Genetics (formerly Invitae), Labcorp
Classification: Uncertain significance for Autosomal recessive severe congenital neutropenia due to CSF3R deficiency. Last evaluated: 2025-11-18. Review status: criteria provided, single submitter. Criteria: Invitae Variant Classification Sherloc (09022015). Collection method: clinical testing. Allele origin: germline.
Comment: This sequence change replaces proline, which is neutral and non-polar, with serine, which is neutral and polar, at codon 467 of the CSF3R protein (p.Pro467Ser). This variant is present in population databases (rs538923210, gnomAD 0.03%), including at least one homozygous and/or hemizygous individual. This variant has not been reported in the literature in individuals affected with CSF3R-related conditions. ClinVar contains an entry for this variant (Variation ID: 648745). Invitae Evidence Modeling of protein sequence and biophysical properties (such as structural, functional, and spatial information, amino acid conservation, physicochemical variation, residue mobility, and thermodynamic stability) indicates that this missense variant is not expected to disrupt CSF3R protein function with a negative predictive value of 80%. In summary, the available evidence is currently insufficient to determine the role of this variant in disease. Therefore, it has been classified as a Variant of Uncertain Significance.

NM_000760.4(CSF3R):c.1399C>T (p.Pro467Ser)

Gene: CSF3R (colony stimulating factor 3 receptor; minus strand). Cytogenetic location: 1p34.3.
Variant type: single nucleotide variant.
Coding change: c.1399C>T on transcript NM_000760.4 (MANE Select); coding-DNA position 1399, C replaced by T.
Protein change: p.Pro467Ser; replaces proline 467 with serine.
Molecular consequence: missense variant.
Genome position (GRCh38, 1-based): chr1:36,469,727, G>A on the plus strand (C>T on the coding strand, the complement: CSF3R is on the minus strand). VCF-style: chr1-36469727-G-A. GRCh37 (hg19) VCF-style: chr1-36935328-G-A.
Other names: c.1399C>T, p.Pro467Ser (LRG_144t1, NM_156039.3, NM_172313.3); short protein forms P467S.
Identifiers: ClinVar variation 648745 (VCV000648745.10), dbSNP rs538923210, ClinGen allele CA769203.
Genomic context (GRCh38, chr1:36,469,727, plus strand): 5'-CCGTGGCTCTCCCATTCTGTTCCATCCTCCAGGTCTTGTTGCTATTGCTCGCGCTGGGGG[G>A]GCCCAGGCCCCACTCAATCACATAGCCCTGAGGCCATGGATTGGGGGGCTCCCAGCCTAC-3'
Protein context (NP_000751.1, residues 457-477): QGYVIEWGLG[Pro467Ser]PSASNSNKTW